The following is an entry in ClinVar:

ClinVar aggregate classification (germline): Likely pathogenic (1 of 4 stars; one submission).

Conditions:
LAMB2-related infantile-onset nephrotic syndrome. Also called: NEPHROTIC SYNDROME, TYPE 5, WITHOUT OCULAR ABNORMALITIES; NEPHROTIC SYNDROME, TYPE 5, WITH OCULAR ABNORMALITIES; Nephrotic Syndrome, type 5. Identifiers: Orphanet 306507, MedGen C3280113, MONDO:0013621, OMIM 614199.

Submission:

Department of Pediatrics, Graduate School of Medical Sciences, Kyushu University
Classification: Likely pathogenic for LAMB2-related infantile-onset nephrotic syndrome. Last evaluated: 2020-07-07. Review status: criteria provided, single submitter. Criteria: Nishiyama et al. (BMC Med Genet. 2020). Collection method: clinical testing. Allele origin: unknown. Inheritance: Autosomal recessive inheritance.
Comment: Congenital nephrotic syndrome and gastro-esophageal reflux

NM_002292.4(LAMB2):c.[1648C>T];[4519C>T]

Variant type: CompoundHeterozygote.
Identifiers: ClinVar variation 974627 (VCV000974627.2).